The following is an entry in ClinVar:

NM_001291303.3(FAT4):c.2641A>G (p.Ile881Val)

Gene: FAT4 (FAT atypical cadherin 4; plus strand). Cytogenetic location: 4q28.1.
Variant type: single nucleotide variant.
Coding change: c.2641A>G on transcript NM_001291303.3 (MANE Select); coding-DNA position 2641, A replaced by G.
Protein change: p.Ile881Val; replaces isoleucine 881 with valine.
Molecular consequence: missense variant.
Genome position (GRCh38, 1-based): chr4:125,319,052, A>G. VCF-style: chr4-125319052-A-G. GRCh37 (hg19) VCF-style: chr4-126240207-A-G.
Other names: c.2641A>G (NM_024582.4); c.2641A>G, p.Ile881Val (NM_001291285.3, NM_024582.6); short protein forms I881V.
Identifiers: ClinVar variation 1374772 (VCV001374772.9), dbSNP rs183643556, ClinGen allele CA3072189.

ClinVar aggregate classification (germline): Uncertain significance. Review status: criteria provided, multiple submitters, no conflicts (2 of 4 stars). 2 submissions from 2 submitters: Uncertain significance (2). Last evaluated 2025-10-18.

Conditions:
Inborn genetic diseases. Identifiers: MedGen C0950123, MeSH D030342.

Allele frequency attached by ClinVar (database versions not stated): gnomAD exomes 0.00004 and below 0.00001; ExAC 0.00003; gnomAD 0.00001; TOPMed 0.00003.
gnomAD v4.1: 10 of 1,614,096 alleles (0.00062%); highest among the groups gnomAD compares: East Asian, 0.016%; no homozygotes.

Submissions (2):

Ambry Genetics
Classification: Uncertain significance for Inborn genetic diseases. Last evaluated: 2025-10-18. Review status: criteria provided, single submitter. Criteria: Ambry Variant Classification Scheme 2023. Collection method: clinical testing. Allele origin: germline.

Labcorp Genetics (formerly Invitae), Labcorp
Classification: Uncertain significance. Last evaluated: 2022-02-08. Review status: criteria provided, single submitter. Criteria: Invitae Variant Classification Sherloc (09022015). Collection method: clinical testing. Allele origin: germline.
Comment: This sequence change replaces isoleucine, which is neutral and non-polar, with valine, which is neutral and non-polar, at codon 881 of the FAT4 protein (p.Ile881Val). In summary, the available evidence is currently insufficient to determine the role of this variant in disease. Therefore, it has been classified as a Variant of Uncertain Significance. Algorithms developed to predict the effect of sequence changes on RNA splicing suggest that this variant may create or strengthen a splice site. Advanced modeling of protein sequence and biophysical properties (such as structural, functional, and spatial information, amino acid conservation, physicochemical variation, residue mobility, and thermodynamic stability) performed at Invitae indicates that this missense variant is not expected to disrupt FAT4 protein function. This variant has not been reported in the literature in individuals affected with FAT4-related conditions. This variant is present in population databases (rs183643556, gnomAD 0.05%).